The following is an entry in ClinVar:

NM_000111.3(SLC26A3):c.886A>G (p.Met296Val)

Gene: SLC26A3 (solute carrier family 26 member 3; minus strand). Cytogenetic location: 7q22.3.
Variant type: single nucleotide variant.
Coding change: c.886A>G on transcript NM_000111.3 (MANE Select); coding-DNA position 886, A replaced by G.
Protein change: p.Met296Val; replaces methionine 296 with valine.
Molecular consequence: missense variant.
Genome position (GRCh38, 1-based): chr7:107,787,359, T>C on the plus strand (A>G on the coding strand, the complement: SLC26A3 is on the minus strand). VCF-style: chr7-107787359-T-C. GRCh37 (hg19) VCF-style: chr7-107427804-T-C.
Other names: short protein forms M296V.
Identifiers: ClinVar variation 2081547 (VCV002081547.1), dbSNP rs746613423, ClinGen allele CA4434010.

ClinVar aggregate classification (germline): Uncertain significance (1 of 4 stars; one submission).

Allele frequency attached by ClinVar (database versions not stated): TOPMed below 0.00001.
gnomAD v4.1: 7 of 1,613,954 alleles (0.00043%); highest among the groups gnomAD compares: African/African-American, 0.0013%; no homozygotes.

Submission:

Labcorp Genetics (formerly Invitae), Labcorp
Classification: Uncertain significance. Last evaluated: 2022-04-21. Review status: criteria provided, single submitter. Criteria: Invitae Variant Classification Sherloc (09022015). Collection method: clinical testing. Allele origin: germline.
Comment: This sequence change replaces methionine, which is neutral and non-polar, with valine, which is neutral and non-polar, at codon 296 of the SLC26A3 protein (p.Met296Val). This variant is present in population databases (rs746613423, gnomAD 0.0009%). This variant has not been reported in the literature in individuals affected with SLC26A3-related conditions. Algorithms developed to predict the effect of missense changes on protein structure and function output the following: SIFT: "Tolerated"; PolyPhen-2: "Benign"; Align-GVGD: "Class C0". The valine amino acid residue is found in multiple mammalian species, which suggests that this missense change does not adversely affect protein function. Algorithms developed to predict the effect of sequence changes on RNA splicing suggest that this variant may disrupt the consensus splice site. In summary, the available evidence is currently insufficient to determine the role of this variant in disease. Therefore, it has been classified as a Variant of Uncertain Significance.